The following is an entry in ClinVar:

NM_000548.5(TSC2):c.1468A>G (p.Ile490Val)

Gene: TSC2 (TSC complex subunit 2; plus strand). Cytogenetic location: 16p13.3.
Variant type: single nucleotide variant.
Coding change: c.1468A>G on transcript NM_000548.5 (MANE Select); coding-DNA position 1468, A replaced by G.
Protein change: p.Ile490Val; replaces isoleucine 490 with valine.
Molecular consequence: missense variant.
Genome position (GRCh38, 1-based): chr16:2,064,296, A>G. VCF-style: chr16-2064296-A-G. GRCh37 (hg19) VCF-style: chr16-2114297-A-G.
Other names: c.1468A>G, p.Ile490Val (NM_001363528.2, NM_001370404.1, NM_001370405.1 and 3 more transcripts); c.1357A>G, p.Ile453Val (NM_001318827.2); c.1321A>G, p.Ile441Val (NM_001318829.2); c.868A>G, p.Ile290Val (NM_001318831.2); c.1501A>G, p.Ile501Val (NM_001318832.2); short protein forms I490V, I290V, I441V, I453V, I501V.
Identifiers: ClinVar variation 49159 (VCV000049159.4), dbSNP rs45517175, ClinGen allele CA014922.

ClinVar aggregate classification (germline): Uncertain significance. Review status: criteria provided, multiple submitters, no conflicts (2 of 4 stars). 4 submissions from 4 submitters: Uncertain significance (3). 1 of the submissions does not count toward it. Last evaluated 2025-12-14.

Conditions:
Lymphangiomyomatosis (LAM). Also called: Lymphangioleiomyomatosis; Lymphangioleiomyomatosis, somatic. Identifiers: Orphanet 538, MedGen C0751674, MONDO:0011705, OMIM 606690.
Tuberous sclerosis 2 (TSC2). Identifiers: Orphanet 805, MedGen C1860707, MONDO:0013199, OMIM 613254.
Isolated focal cortical dysplasia type II (FCORD2). Also called: CORTICAL DYSPLASIA OF TAYLOR; Focal cortical dysplasia type II. Identifiers: Orphanet 268994, MedGen C1846385, MONDO:0011818, OMIM 607341, HP:0032051.
Tuberous sclerosis syndrome (TSC). Also called: Tuberous Sclerosis Complex; Tuberous sclerosis. Identifiers: Orphanet 805, MedGen C0041341, MONDO:0001734.
Hereditary cancer-predisposing syndrome. Also called: Neoplastic Syndromes, Hereditary; Tumor predisposition; Hereditary Cancer Syndrome; Hereditary neoplastic syndrome. Identifiers: Orphanet 140162, MedGen C0027672, MeSH D009386, MONDO:0015356.

Submissions (4):

Labcorp Genetics (formerly Invitae), Labcorp
Classification: Uncertain significance for Tuberous sclerosis 2. Last evaluated: 2025-12-14. Review status: criteria provided, single submitter. Criteria: Invitae Variant Classification Sherloc (09022015). Collection method: clinical testing. Allele origin: germline.
Comment: This sequence change replaces isoleucine, which is neutral and non-polar, with valine, which is neutral and non-polar, at codon 490 of the TSC2 protein (p.Ile490Val). This variant is not present in population databases (gnomAD no frequency). This variant has not been reported in the literature in individuals affected with TSC2-related conditions. ClinVar contains an entry for this variant (Variation ID: 49159). Invitae Evidence Modeling of protein sequence and biophysical properties (such as structural, functional, and spatial information, amino acid conservation, physicochemical variation, residue mobility, and thermodynamic stability) indicates that this missense variant is not expected to disrupt TSC2 protein function with a negative predictive value of 95%. In summary, the available evidence is currently insufficient to determine the role of this variant in disease. Therefore, it has been classified as a Variant of Uncertain Significance.

Ambry Genetics
Classification: Uncertain significance for Hereditary cancer-predisposing syndrome. Last evaluated: 2025-12-12. Review status: criteria provided, single submitter. Criteria: Ambry Variant Classification Scheme 2023. Collection method: clinical testing. Allele origin: germline.
Comment: The p.I490V variant (also known as c.1468A>G), located in coding exon 14 of the TSC2 gene, results from an A to G substitution at nucleotide position 1468. The isoleucine at codon 490 is replaced by valine, an amino acid with highly similar properties. This amino acid position is highly conserved in available vertebrate species. In addition, this alteration is predicted to be tolerated by in silico analysis. Based on the available evidence, the clinical significance of this variant remains unclear.

Fulgent Genetics
Classification: Uncertain significance for Lymphangiomyomatosis; Isolated focal cortical dysplasia type II; Tuberous sclerosis 2. Last evaluated: 2024-05-12. Review status: criteria provided, single submitter. Criteria: ACMG Guidelines, 2015. Collection method: clinical testing. Allele origin: germline.

Tuberous sclerosis database (TSC2)
No classification provided. Condition: TSC. Review status: no classification provided. Criteria: Tuberous Sclerosis Database Assertion Criteria 2015. Collection method: curation. Allele origin: germline. Affected: yes and no. Not counted in ClinVar's aggregate classification.